The following is an entry in ClinVar:

NM_004667.6(HERC2):c.4416G>A (p.Thr1472=)

Gene: HERC2 (HECT and RLD domain containing E3 ubiquitin protein ligase 2; minus strand). Cytogenetic location: 15q13.1.
Variant type: single nucleotide variant.
Coding change: c.4416G>A on transcript NM_004667.6 (MANE Select); coding-DNA position 4416, G replaced by A.
Protein change: p.Thr1472=; no amino-acid change (threonine 1472 retained).
Molecular consequence: synonymous variant.
Genome position (GRCh38, 1-based): chr15:28,233,497, C>T on the plus strand (G>A on the coding strand, the complement: HERC2 is on the minus strand). VCF-style: chr15-28233497-C-T. GRCh37 (hg19) VCF-style: chr15-28478643-C-T.
Identifiers: ClinVar variation 3778049 (VCV003778049.7).

ClinVar aggregate classification (germline): Likely benign (1 of 4 stars; one submission).

gnomAD v4.1: 606 of 1,527,746 alleles (0.04%); highest among the groups gnomAD compares: Non-Finnish European, 0.016%; 5 homozygotes.

Submission:

CeGaT Center for Human Genetics Tuebingen
Classification: Likely benign. Last evaluated: 2025-03-01. Review status: criteria provided, single submitter. Criteria: CeGaT Center For Human Genetics Tuebingen Variant Classification Criteria Version 2. Collection method: clinical testing. Allele origin: germline. Affected: yes. Observed: 1 variant allele.
Comment: HERC2: BP4, BP7